The following is an entry in ClinVar:

NM_000537.4(REN):c.221C>A (p.Ser74Tyr)

Gene: REN (renin; minus strand). Cytogenetic location: 1q32.1.
Variant type: single nucleotide variant.
Coding change: c.221C>A on transcript NM_000537.4 (MANE Select); coding-DNA position 221, C replaced by A.
Protein change: p.Ser74Tyr; replaces serine 74 with tyrosine.
Molecular consequence: missense variant.
Genome position (GRCh38, 1-based): chr1:204,162,041, G>T on the plus strand (C>A on the coding strand, the complement: REN is on the minus strand). VCF-style: chr1-204162041-G-T. GRCh37 (hg19) VCF-style: chr1-204131169-G-T.
Other names: c.221C>A (NM_000537.3); short protein forms S74Y.
Identifiers: ClinVar variation 4690630 (VCV004690630.2).

ClinVar aggregate classification (germline): Uncertain significance. Review status: criteria provided, multiple submitters, no conflicts (2 of 4 stars). 2 submissions from 2 submitters: Uncertain significance (2). Last evaluated 2026-04-16.

Conditions:
REN-related disorder. Also called: REN-related condition.

gnomAD v4.1: 98 of 1,614,210 alleles (0.0061%); highest among the groups gnomAD compares: Middle Eastern, 0.016%; no homozygotes.

Submissions (2):

PreventionGenetics, part of Exact Sciences
Classification: Uncertain significance for REN-related condition. Last evaluated: 2026-04-16. Review status: criteria provided, single submitter. Criteria: ACMG Guidelines, 2015. Collection method: clinical testing. Allele origin: germline.
Comment: The REN c.221C>A variant is predicted to result in the amino acid substitution p.Ser74Tyr. To our knowledge, this variant has not been reported in the literature. This variant is reported in 0.0093% of alleles in individuals of European (Non-Finnish) descent in gnomAD. At this time, the clinical significance of this variant is uncertain due to the absence of conclusive functional and genetic evidence.

Labcorp Genetics (formerly Invitae), Labcorp
Classification: Uncertain significance. Last evaluated: 2025-09-03. Review status: criteria provided, single submitter. Criteria: Invitae Variant Classification Sherloc (09022015). Collection method: clinical testing. Allele origin: germline.
Comment: This sequence change replaces serine, which is neutral and polar, with tyrosine, which is neutral and polar, at codon 74 of the REN protein (p.Ser74Tyr). This variant is present in population databases (rs536696119, gnomAD 0.009%). This variant has not been reported in the literature in individuals affected with REN-related conditions. Invitae Evidence Modeling of protein sequence and biophysical properties (such as structural, functional, and spatial information, amino acid conservation, physicochemical variation, residue mobility, and thermodynamic stability) indicates that this missense variant is not expected to disrupt REN protein function with a negative predictive value of 80%. In summary, the available evidence is currently insufficient to determine the role of this variant in disease. Therefore, it has been classified as a Variant of Uncertain Significance.